The following is an entry in ClinVar:

NM_022765.4(MICAL1):c.1628T>A (p.Leu543Gln)

Gene: MICAL1 (microtubule associated monooxygenase, calponin and LIM domain containing 1; minus strand). Cytogenetic location: 6q21.
Variant type: single nucleotide variant.
Coding change: c.1628T>A on transcript NM_022765.4 (MANE Select); coding-DNA position 1628, T replaced by A.
Protein change: p.Leu543Gln; replaces leucine 543 with glutamine.
Molecular consequence: missense variant.
Genome position (GRCh38, 1-based): chr6:109,448,768, A>T on the plus strand (T>A on the coding strand, the complement: MICAL1 is on the minus strand). VCF-style: chr6-109448768-A-T. GRCh37 (hg19) VCF-style: chr6-109769971-A-T.
Other names: c.1370T>A, p.Leu457Gln (NM_001159291.2); c.1685T>A, p.Leu562Gln (NM_001286613.2); short protein forms L457Q, L562Q, L543Q.
Identifiers: ClinVar variation 4778162 (VCV004778162.1).
Genomic context (GRCh38, chr6:109,448,768, plus strand): 5'-GAGGTGGGTCTGCCAGGGACTCACAGCAGGCCAGGCTGCAGCCGGTACACCAGGGCACAC[A>T]GAGCTAGCCCATCAGCCCAGGAGGAAGACAAATCGGAGACGTGGACTCCCGGGTACCCAG-3'
Protein context (NP_073602.3, residues 533-553): LSSSWADGLA[Leu543Gln]CALVYRLQPG

ClinVar aggregate classification (germline): Uncertain significance (1 of 4 stars; one submission).

gnomAD v4.1: 39 of 1,613,964 alleles (0.0024%); highest among the groups gnomAD compares: Non-Finnish European, 0.0033%; no homozygotes.

Submission:

Labcorp Genetics (formerly Invitae), Labcorp
Classification: Uncertain significance. Last evaluated: 2025-04-24. Review status: criteria provided, single submitter. Criteria: Invitae Variant Classification Sherloc (09022015). Collection method: clinical testing. Allele origin: germline.
Comment: This sequence change replaces leucine, which is neutral and non-polar, with glutamine, which is neutral and polar, at codon 562 of the MICAL1 protein (p.Leu562Gln). This variant is present in population databases (no rsID available, gnomAD 0.002%). This variant has not been reported in the literature in individuals affected with MICAL1-related conditions. An algorithm developed to predict the effect of missense changes on protein structure and function (PolyPhen-2) suggests that this variant is likely to be disruptive. In summary, the available evidence is currently insufficient to determine the role of this variant in disease. Therefore, it has been classified as a Variant of Uncertain Significance.